The following is an entry in ClinVar:

NM_001846.4(COL4A2):c.3550C>T (p.Pro1184Ser)

Gene: COL4A2 (collagen type IV alpha 2 chain; plus strand). Cytogenetic location: 13q34.
Variant type: single nucleotide variant.
Coding change: c.3550C>T on transcript NM_001846.4 (MANE Select); coding-DNA position 3550, C replaced by T.
Protein change: p.Pro1184Ser; replaces proline 1184 with serine.
Molecular consequence: missense variant.
Genome position (GRCh38, 1-based): chr13:110,492,165, C>T. VCF-style: chr13-110492165-C-T. GRCh37 (hg19) VCF-style: chr13-111144512-C-T.
Other names: c.3550C>T (NM_001846.2); short protein forms P1184S.
Identifiers: ClinVar variation 4537296 (VCV004537296.2).
Genomic context (GRCh38, chr13:110,492,165, plus strand): 5'-GGAGAGCTGGGGCGGATTGGACTGCCTGGTGGCAAAGGAGATGATGGCTGGCCGGGAGCT[C>T]CGGGCTTACCAGGTAAGGTCACGTAAAACACGTGGTCACCCAGACCCAGAGTCGTGGGCT-3'
Protein context (NP_001837.2, residues 1174-1194): GKGDDGWPGA[Pro1184Ser]GLPGFPGLRG

ClinVar aggregate classification (germline): Conflicting classifications of pathogenicity. Review status: criteria provided, conflicting classifications (1 of 4 stars). 2 submissions from 2 submitters: Uncertain significance (1); Likely benign (1). Last evaluated 2025-11-19.

Conditions:
Inborn genetic diseases. Identifiers: MedGen C0950123, MeSH D030342.

gnomAD v4.1: 8 of 1,552,352 alleles (0.00052%); highest among the groups gnomAD compares: Admixed American, 0.016%; no homozygotes.

Submissions (2):

Women's Health and Genetics/Laboratory Corporation of America, LabCorp
Classification: Uncertain significance. Last evaluated: 2025-11-19. Review status: criteria provided, single submitter. Criteria: LabCorp Variant Classification Summary - May 2015. Collection method: clinical testing. Allele origin: germline.
Comment: Variant summary: COL4A2 c.3550C>T (p.Pro1184Ser) results in a non-conservative amino acid change in the encoded protein sequence. Algorithms developed to predict the effect of missense changes on protein structure and function all suggest that this variant is likely to be disruptive. The variant allele was found at a frequency of 3.9e-05 in 154720 control chromosomes. The available data on variant occurrences in the general population are insufficient to allow any conclusion about variant significance. To our knowledge, no occurrence of c.3550C>T in individuals affected with COL4A2-related conditions and no experimental evidence demonstrating its impact on protein function have been reported. No submitters have cited clinical-significance assessments for this variant to ClinVar. Based on the evidence outlined above, the variant was classified as uncertain significance.

Ambry Genetics
Classification: Likely benign for Inborn genetic diseases. Last evaluated: 2025-10-23. Review status: criteria provided, single submitter. Criteria: Ambry Variant Classification Scheme 2023. Collection method: clinical testing. Allele origin: germline.